The following is an entry in ClinVar:

NM_001008537.3(NEXMIF):c.2434G>A (p.Gly812Arg)

Gene: NEXMIF (neurite extension and migration factor; minus strand). Cytogenetic location: Xq13.3.
Variant type: single nucleotide variant.
Coding change: c.2434G>A on transcript NM_001008537.3 (MANE Select); coding-DNA position 2434, G replaced by A.
Protein change: p.Gly812Arg; replaces glycine 812 with arginine.
Molecular consequence: missense variant.
Genome position (GRCh38, 1-based): chrX:74,742,123, C>T on the plus strand (G>A on the coding strand, the complement: NEXMIF is on the minus strand). VCF-style: chrX-74742123-C-T. GRCh37 (hg19) VCF-style: chrX-73961958-C-T.
Other names: short protein forms G812R.
Identifiers: ClinVar variation 2115594 (VCV002115594.4), dbSNP rs2519913930, ClinGen allele CA413668237.

ClinVar aggregate classification (germline): Uncertain significance (1 of 4 stars; one submission).

Submission:

Labcorp Genetics (formerly Invitae), Labcorp
Classification: Uncertain significance. Last evaluated: 2022-08-23. Review status: criteria provided, single submitter. Criteria: Invitae Variant Classification Sherloc (09022015). Collection method: clinical testing. Allele origin: germline.
Comment: This sequence change replaces glycine, which is neutral and non-polar, with arginine, which is basic and polar, at codon 812 of the NEXMIF protein (p.Gly812Arg). This variant is not present in population databases (gnomAD no frequency). This variant has not been reported in the literature in individuals affected with NEXMIF-related conditions. Algorithms developed to predict the effect of missense changes on protein structure and function (SIFT, PolyPhen-2, Align-GVGD) all suggest that this variant is likely to be disruptive. In summary, the available evidence is currently insufficient to determine the role of this variant in disease. Therefore, it has been classified as a Variant of Uncertain Significance.